The following is an entry in ClinVar:

ClinVar aggregate classification (germline): Uncertain significance. Review status: criteria provided, multiple submitters, no conflicts (2 of 4 stars). 2 submissions from 2 submitters: Uncertain significance (2). Last evaluated 2024-10-28.

Conditions:
Actin accumulation myopathy (CMYO2A). Also called: Myopathy, actin, congenital, with cores; Nemaline myopathy 3, with intranuclear rods; Nemaline myopathy type 3; Myopathy, actin, congenital, with excess of thin myofilaments; CONGENITAL MYOPATHY 2A, TYPICAL, AUTOSOMAL DOMINANT. Identifiers: Orphanet 98904, MedGen C3711389, MONDO:0008070, OMIM 161800.

Submissions (2):

Labcorp Genetics (formerly Invitae), Labcorp
Classification: Uncertain significance for Actin accumulation myopathy. Last evaluated: 2024-10-28. Review status: criteria provided, single submitter. Criteria: Invitae Variant Classification Sherloc (09022015). Collection method: clinical testing. Allele origin: germline.
Comment: This sequence change replaces glutamic acid, which is acidic and polar, with glycine, which is neutral and non-polar, at codon 239 of the ACTA1 protein (p.Glu239Gly). This variant is not present in population databases (gnomAD no frequency). This variant has not been reported in the literature in individuals affected with ACTA1-related conditions. ClinVar contains an entry for this variant (Variation ID: 2148607). Invitae Evidence Modeling of protein sequence and biophysical properties (such as structural, functional, and spatial information, amino acid conservation, physicochemical variation, residue mobility, and thermodynamic stability) indicates that this missense variant is not expected to disrupt ACTA1 protein function with a negative predictive value of 80%. In summary, the available evidence is currently insufficient to determine the role of this variant in disease. Therefore, it has been classified as a Variant of Uncertain Significance.

Revvity Omics, Revvity
Classification: Uncertain significance. Last evaluated: 2020-04-03. Review status: criteria provided, single submitter. Criteria: ACMG Guidelines, 2015. Collection method: clinical testing. Allele origin: germline.

NM_001100.4(ACTA1):c.716A>G (p.Glu239Gly)

Gene: ACTA1 (actin alpha 1, skeletal muscle; minus strand). Cytogenetic location: 1q42.13.
Variant type: single nucleotide variant.
Coding change: c.716A>G on transcript NM_001100.4 (MANE Select); coding-DNA position 716, A replaced by G.
Protein change: p.Glu239Gly; replaces glutamic acid 239 with glycine.
Molecular consequence: missense variant.
Genome position (GRCh38, 1-based): chr1:229,432,086, T>C on the plus strand (A>G on the coding strand, the complement: ACTA1 is on the minus strand). VCF-style: chr1-229432086-T-C. GRCh37 (hg19) VCF-style: chr1-229567833-T-C.
Other names: short protein forms E239G.
Identifiers: ClinVar variation 2148607 (VCV002148607.7), dbSNP rs2527437251, ClinGen allele CA345146903.